The following is an entry in ClinVar:

ClinVar aggregate classification (germline): Benign/Likely benign. Review status: criteria provided, multiple submitters, no conflicts (2 of 4 stars). 2 submissions from 2 submitters: Benign (1); Likely benign (1). Last evaluated 2024-06-19.

Conditions:
Familial cancer of breast. Also called: BREAST CANCER, FAMILIAL; Hereditary breast cancer; hereditary breast carcinoma. Identifiers: Orphanet 227535, MedGen C0346153, MONDO:0016419, OMIM 114480. Disease mechanism: loss of function.
Ataxia-telangiectasia syndrome (AT). Also called: LOUIS-BAR SYNDROME; Cerebello-oculocutaneous telangiectasia; Immunodeficiency with ataxia telangiectasia; Ataxia telangiectasia (A-T); Ataxia-telangiectasia, complementation group D; AT, COMPLEMENTATION GROUP C. Identifiers: Orphanet 100, MedGen C0004135, MONDO:0008840, OMIM 208900.

Allele frequency attached by ClinVar (database versions not stated): gnomAD exomes below 0.00001.
gnomAD v4.1: 1 of 1,614,052 alleles (0.000062%); highest among the groups gnomAD compares: Non-Finnish European, 0.000085%; no homozygotes.

Submissions (2):

Myriad Genetics, Inc.
Classification: Benign for Familial cancer of breast. Last evaluated: 2024-06-19. Review status: criteria provided, single submitter. Criteria: Myriad Autosomal Dominant, Autosomal Recessive and X-Linked Classification Criteria (2023). Collection method: clinical testing. Allele origin: unknown.
Comment: This variant is considered benign. This variant is a silent/synonymous amino acid change and it is not expected to impact splicing.

Labcorp Genetics (formerly Invitae), Labcorp
Classification: Likely benign for Ataxia-telangiectasia syndrome. Last evaluated: 2023-11-28. Review status: criteria provided, single submitter. Criteria: Invitae Variant Classification Sherloc (09022015). Collection method: clinical testing. Allele origin: germline.

NM_000051.4(ATM):c.8301T>C (p.Leu2767=)

Genes: ATM (ATM serine/threonine kinase; plus strand), C11orf65 (chromosome 11 open reading frame 65; minus strand). Cytogenetic location: 11q22.3.
Variant type: single nucleotide variant.
Coding change: c.8301T>C on transcript NM_000051.4 (MANE Select); coding-DNA position 8301, T replaced by C.
Protein change: p.Leu2767=; no amino-acid change (leucine 2767 retained).
Molecular consequence: synonymous variant. On other transcripts: intron variant (2).
Genome position (GRCh38, 1-based): chr11:108,343,254, T>C. VCF-style: chr11-108343254-T-C. GRCh37 (hg19) VCF-style: chr11-108213981-T-C.
Other names: c.8301T>C, p.Leu2767= (NM_001351834.2); c.641-34183A>G (NM_001330368.2); c.695-7962A>G (NM_001351110.2).
Identifiers: ClinVar variation 1549114 (VCV001549114.9), dbSNP rs1060504303, ClinGen allele CA476672597.